The following is an entry in ClinVar:

ClinVar aggregate classification (germline): Uncertain significance (1 of 4 stars; one submission).

Conditions:
RASopathy. Also called: rasopathies; Noonan spectrum disorder. Identifiers: Orphanet 536391, MedGen C5555857, MONDO:0021060.

Allele frequency attached by ClinVar (database versions not stated): gnomAD exomes below 0.00001.
gnomAD v4.1: 1 of 1,612,430 alleles (0.000062%); highest among the groups gnomAD compares: Non-Finnish European, 0.000085%; no homozygotes.

Submission:

Labcorp Genetics (formerly Invitae), Labcorp
Classification: Uncertain significance for RASopathy. Last evaluated: 2021-12-25. Review status: criteria provided, single submitter. Criteria: Invitae Variant Classification Sherloc (09022015). Collection method: clinical testing. Allele origin: germline.
Comment: This sequence change replaces glutamic acid, which is acidic and polar, with aspartic acid, which is acidic and polar, at codon 296 of the SOS1 protein (p.Glu296Asp). This variant is present in population databases (no rsID available, gnomAD 0.0009%). This variant has not been reported in the literature in individuals affected with SOS1-related conditions. Advanced modeling of protein sequence and biophysical properties (such as structural, functional, and spatial information, amino acid conservation, physicochemical variation, residue mobility, and thermodynamic stability) performed at Invitae indicates that this missense variant is expected to disrupt SOS1 protein function. In summary, the available evidence is currently insufficient to determine the role of this variant in disease. Therefore, it has been classified as a Variant of Uncertain Significance.

NM_005633.4(SOS1):c.888A>C (p.Glu296Asp)

Gene: SOS1 (SOS Ras/Rac guanine nucleotide exchange factor 1; minus strand). Cytogenetic location: 2p22.1.
Variant type: single nucleotide variant.
Coding change: c.888A>C on transcript NM_005633.4 (MANE Select); coding-DNA position 888, A replaced by C.
Protein change: p.Glu296Asp; replaces glutamic acid 296 with aspartic acid.
Molecular consequence: missense variant.
Genome position (GRCh38, 1-based): chr2:39,035,477, T>G on the plus strand (A>C on the coding strand, the complement: SOS1 is on the minus strand). VCF-style: chr2-39035477-T-G. GRCh37 (hg19) VCF-style: chr2-39262618-T-G.
Other names: c.867A>C, p.Glu289Asp (NM_001382394.1); c.888A>C, p.Glu296Asp (NM_001382395.1); short protein forms E289D, E296D.
Identifiers: ClinVar variation 1896938 (VCV001896938.5), dbSNP rs1335105269, ClinGen allele CA346367469.